The following is an entry in ClinVar:

NM_000059.4(BRCA2):c.5583A>G (p.Lys1861=)

Gene: BRCA2 (BRCA2 DNA repair associated; plus strand). Cytogenetic location: 13q13.1.
Variant type: single nucleotide variant.
Coding change: c.5583A>G on transcript NM_000059.4 (MANE Select); coding-DNA position 5583, A replaced by G.
Protein change: p.Lys1861=; no amino-acid change (lysine 1861 retained).
Molecular consequence: synonymous variant.
Genome position (GRCh38, 1-based): chr13:32,339,938, A>G. VCF-style: chr13-32339938-A-G. GRCh37 (hg19) VCF-style: chr13-32914075-A-G.
Identifiers: ClinVar variation 825841 (VCV000825841.11), dbSNP rs749036329, ClinGen allele CA6940888.

ClinVar aggregate classification (germline): Likely benign. Review status: criteria provided, multiple submitters, no conflicts (2 of 4 stars). 4 submissions from 4 submitters: Likely benign (4). Last evaluated 2024-02-05.

Conditions:
Hereditary breast ovarian cancer syndrome. Also called: Hereditary breast and ovarian cancer syndrome (HBOC); BRCA1- and BRCA2-Associated Hereditary Breast and Ovarian Cancer; Hereditary breast and ovarian cancer syndrome; Breast and ovarian cancer; Hereditary breast and/or ovarian cancer syndrome; Hereditary breast and ovarian cancer. Identifiers: Orphanet 145, MedGen C0677776, MeSH D061325, MONDO:0003582. Disease mechanism: loss of function.
Hereditary cancer-predisposing syndrome. Also called: Neoplastic Syndromes, Hereditary; Hereditary Cancer Syndrome; Hereditary neoplastic syndrome; Tumor predisposition. Identifiers: Orphanet 140162, MedGen C0027672, MeSH D009386, MONDO:0015356.
Breast-ovarian cancer, familial, susceptibility to, 2 (BROVCA2). Also called: BRCA2 Hereditary Breast and Ovarian Cancer. Identifiers: Orphanet 145, MedGen C2675520, MONDO:0012933, OMIM 612555. Disease mechanism: loss of function.

Allele frequency attached by ClinVar (database versions not stated): gnomAD exomes 0.00001; ExAC 0.00002.
gnomAD v4.1: 12 of 1,606,338 alleles (0.00075%); highest among the groups gnomAD compares: Non-Finnish European, 0.00068%; no homozygotes.

Submissions (4):

All of Us Research Program, National Institutes of Health
Classification: Likely benign for Breast-ovarian cancer, familial, susceptibility to, 2. Last evaluated: 2024-02-05. Review status: criteria provided, single submitter. Criteria: ACMG Guidelines, 2015. Collection method: clinical testing. Allele origin: germline. Inheritance: Autosomal dominant inheritance. Observed: 1 variant allele, 1 heterozygote.
Comment: This study involves interpretation of variants in research participants for the purpose of population health screening. Participant phenotype was not available at the time of variant classification. Additional details can be found in publication PMID: 35346344, PMCID: PMC8962531

Labcorp Genetics (formerly Invitae), Labcorp
Classification: Likely benign for Hereditary breast ovarian cancer syndrome. Last evaluated: 2023-12-12. Review status: criteria provided, single submitter. Criteria: Invitae Variant Classification Sherloc (09022015). Collection method: clinical testing. Allele origin: germline.

Color Diagnostics, LLC DBA Color Health
Classification: Likely benign for Hereditary cancer-predisposing syndrome. Last evaluated: 2022-07-05. Review status: criteria provided, single submitter. Criteria: ACMG Guidelines, 2015. Collection method: clinical testing. Allele origin: germline.

Ambry Genetics
Classification: Likely benign for Hereditary cancer-predisposing syndrome. Last evaluated: 2018-09-20. Review status: criteria provided, single submitter. Criteria: Ambry Variant Classification Scheme 2023. Collection method: clinical testing. Allele origin: germline.